The following is an entry in ClinVar:

ClinVar aggregate classification (germline): Pathogenic (1 of 4 stars; one submission).

Conditions:
Familial cancer of breast. Also called: BREAST CANCER, FAMILIAL; Hereditary breast cancer; hereditary breast carcinoma. Identifiers: Orphanet 227535, MedGen C0346153, MONDO:0016419, OMIM 114480. Disease mechanism: loss of function.

Submission:

Labcorp Genetics (formerly Invitae), Labcorp
Classification: Pathogenic for Familial cancer of breast. Last evaluated: 2024-01-06. Review status: criteria provided, single submitter. Criteria: Invitae Variant Classification Sherloc (09022015). Collection method: clinical testing. Allele origin: unknown.
Comment: This variant is a gross deletion of the genomic region encompassing exon(s) 3-4 of the CHEK2 gene. This variant would be expected to be in-frame, preserving the integrity of the reading frame. A similar copy number variant has been observed in individual(s) with hereditary cancer (PMID: 24763289). This variant disrupts the forkhead associated domain of the CHEK2 protein, which is essential for protein function (PMID: 30264118, 31843900, 29785007). While functional studies have not been performed to directly test the effect of this variant on CHEK2 protein function, this suggests that disruption of this region of the protein is causative of disease. For these reasons, this variant has been classified as Pathogenic.

Literature cited by the submitters: PubMed 24763289; PubMed 30264118; PubMed 31843900; PubMed 29785007.

NC_000022.10:g.(?_29120945)_(29121375_?)del

Gene: CHEK2 (checkpoint kinase 2; minus strand). Cytogenetic location: 22q12.1.
Variant type: Deletion.
Identifiers: ClinVar variation 3247458 (VCV003247458.1).